The following is an entry in ClinVar:

NM_024675.4(PALB2):c.3470A>C (p.Gln1157Pro)

Gene: PALB2 (partner and localizer of BRCA2; minus strand). Cytogenetic location: 16p12.2.
Variant type: single nucleotide variant.
Coding change: c.3470A>C on transcript NM_024675.4 (MANE Select); coding-DNA position 3470, A replaced by C.
Protein change: p.Gln1157Pro; replaces glutamine 1157 with proline.
Molecular consequence: missense variant.
Genome position (GRCh38, 1-based): chr16:23,603,550, T>G on the plus strand (A>C on the coding strand, the complement: PALB2 is on the minus strand). VCF-style: chr16-23603550-T-G. GRCh37 (hg19) VCF-style: chr16-23614871-T-G.
Other names: short protein forms Q1157P.
Identifiers: ClinVar variation 628293 (VCV000628293.10), dbSNP rs1567205033, ClinGen allele CA395138026.

ClinVar aggregate classification (germline): Uncertain significance. Review status: criteria provided, multiple submitters, no conflicts (2 of 4 stars). 2 submissions from 2 submitters: Uncertain significance (2). Last evaluated 2023-12-05.

Conditions:
Familial cancer of breast. Also called: BREAST CANCER, FAMILIAL; Hereditary breast cancer; hereditary breast carcinoma. Identifiers: Orphanet 227535, MedGen C0346153, MONDO:0016419, OMIM 114480. Disease mechanism: loss of function.
Hereditary cancer-predisposing syndrome. Also called: Neoplastic Syndromes, Hereditary; Tumor predisposition; Hereditary neoplastic syndrome; Hereditary Cancer Syndrome. Identifiers: Orphanet 140162, MedGen C0027672, MeSH D009386, MONDO:0015356.

Submissions (2):

Color Diagnostics, LLC DBA Color Health
Classification: Uncertain significance for Hereditary cancer-predisposing syndrome. Last evaluated: 2023-12-05. Review status: criteria provided, single submitter. Criteria: ACMG Guidelines, 2015. Collection method: clinical testing. Allele origin: germline.
Comment: This missense variant replaces glutamine with proline at codon 1157 of the PALB2 protein. Computational prediction suggests that this variant may not impact protein structure and function (internally defined REVEL score threshold <= 0.5, PMID: 27666373). To our knowledge, functional studies have not been reported for this variant. This variant has not been reported in individuals affected with PALB2-related disorders in the literature. This variant has not been identified in the general population by the Genome Aggregation Database (gnomAD). The available evidence is insufficient to determine the role of this variant in disease conclusively. Therefore, this variant is classified as a Variant of Uncertain Significance.

Labcorp Genetics (formerly Invitae), Labcorp
Classification: Uncertain significance for Familial cancer of breast. Last evaluated: 2022-07-18. Review status: criteria provided, single submitter. Criteria: Invitae Variant Classification Sherloc (09022015). Collection method: clinical testing. Allele origin: germline.
Comment: This variant has not been reported in the literature in individuals affected with PALB2-related conditions. This sequence change replaces glutamine, which is neutral and polar, with proline, which is neutral and non-polar, at codon 1157 of the PALB2 protein (p.Gln1157Pro). This variant is not present in population databases (gnomAD no frequency). ClinVar contains an entry for this variant (Variation ID: 628293). Algorithms developed to predict the effect of missense changes on protein structure and function are either unavailable or do not agree on the potential impact of this missense change (SIFT: "Tolerated"; PolyPhen-2: "Probably Damaging"; Align-GVGD: "Class C0"). In summary, the available evidence is currently insufficient to determine the role of this variant in disease. Therefore, it has been classified as a Variant of Uncertain Significance.